The following is an entry in ClinVar:

ClinVar aggregate classification (germline): Conflicting classifications of pathogenicity. Review status: criteria provided, conflicting classifications (1 of 4 stars). 5 submissions from 5 submitters: Uncertain significance (4); Likely benign (1). Last evaluated 2026-06-15.

Conditions:
TTN-related disorder. Also called: TTN-related condition; TTN-related disease; TTN-related disorders.
Autosomal recessive limb-girdle muscular dystrophy type 2J (LGMDR10). Also called: MUSCULAR DYSTROPHY, LIMB-GIRDLE, AUTOSOMAL RECESSIVE 10; Limb-girdle muscular dystrophy, type 2J. Identifiers: Orphanet 140922, MedGen C1837342, MONDO:0012127, OMIM 608807.
Dilated cardiomyopathy 1G (CMD1G). Identifiers: Orphanet 154, MedGen C1858763, MONDO:0011400, OMIM 604145.

Allele frequency attached by ClinVar (database versions not stated): gnomAD exomes 0.00001 and 0.00002; ExAC 0.00004; ESP Exome Variant Server 0.00009; gnomAD 0.00026.
gnomAD v4.1: 48 of 1,606,616 alleles (0.003%); highest among the groups gnomAD compares: African/African-American, 0.063%; no homozygotes.

Submissions (5):

PreventionGenetics, part of Exact Sciences
Classification: Uncertain significance for TTN-related condition. Last evaluated: 2026-06-15. Review status: criteria provided, single submitter. Criteria: ACMG Guidelines, 2015. Collection method: clinical testing. Allele origin: germline.
Comment: The TTN c.32792A>C variant is predicted to result in the amino acid substitution p.Glu10931Ala. To our knowledge, this variant has not been reported in the literature. This variant is reported in 0.058% of alleles in individuals of African descent in gnomAD. Although we suspect that this variant may be benign, at this time, the clinical significance of this variant is uncertain due to the absence of conclusive functional and genetic evidence.

ARUP Laboratories, Molecular Genetics and Genomics, ARUP Laboratories
Classification: Uncertain significance. Last evaluated: 2024-05-14. Review status: criteria provided, single submitter. Criteria: ARUP Molecular Germline Variant Investigation Process 2024. Collection method: clinical testing. Allele origin: germline.
Comment: The TTN c.32792A>C; p.Glu10931Ala variant (rs370498307; ClinVar Variation ID: 238743) is rare in the general population (<0.2% allele frequency in the Genome Aggregation Database) and has not been reported in the medical literature in association with dilated cardiomyopathy (DCM) or other TTN-related disease. The clinical relevance of rare missense variants in this gene, which are identified on average once per individual sequenced in affected populations (Herman 2012), is not well understood. Yet, evidence suggests that the vast majority of such missense variants do not contribute to the clinical outcome of DCM (Begay 2015). Thus, the clinical significance of the p.Glu10931Ala variant cannot be determined with certainty. References: Begay RL et al. Role of Titin Missense Variants in Dilated Cardiomyopathy. J Am Heart Assoc. 2015 Nov 13;4(11). PMID: 26567375. Herman DS et al. Truncations of titin causing dilated cardiomyopathy. N Engl J Med. 2012 Feb 16;366(7):619-28. PMID: 22335739. Linke WA and Hamdani N. Gigantic business: titin properties and function through thick and thin. Circ Res 2014; 114(6): 1052-1068. PMID: 24625729.

GeneDx
Classification: Likely benign. Last evaluated: 2018-11-13. Review status: criteria provided, single submitter. Criteria: GeneDx Variant Classification Process June 2021. Collection method: clinical testing. Allele origin: germline. Affected: yes.

Eurofins Ntd Llc (ga)
Classification: Uncertain significance. Last evaluated: 2018-09-12. Review status: criteria provided, single submitter. Criteria: EGL ClinVar v180209 classification definitions. Collection method: clinical testing. Allele origin: germline. Observed: 2 variant alleles, 2 heterozygotes.

Labcorp Genetics (formerly Invitae), Labcorp
Classification: Uncertain significance for Dilated cardiomyopathy 1G; Autosomal recessive limb-girdle muscular dystrophy type 2J. Last evaluated: 2016-02-15. Review status: criteria provided, single submitter. Criteria: Invitae Variant Classification Sherloc (09022015). Collection method: clinical testing. Allele origin: germline.

NM_001267550.2(TTN):c.32792A>C (p.Glu10931Ala)

Gene: TTN (titin; minus strand). Cytogenetic location: 2q31.2.
Variant type: single nucleotide variant.
Coding change: c.32792A>C on transcript NM_001267550.2 (MANE Select); coding-DNA position 32792, A replaced by C.
Protein change: p.Glu10931Ala; replaces glutamic acid 10931 with alanine.
Molecular consequence: missense variant. On other transcripts: intron variant (3).
Genome position (GRCh38, 1-based): chr2:178,684,013, T>G on the plus strand (A>C on the coding strand, the complement: TTN is on the minus strand). VCF-style: chr2-178684013-T-G. GRCh37 (hg19) VCF-style: chr2-179548740-T-G.
Other names: c.31841A>C, p.Glu10614Ala (NM_001256850.1); c.29060A>C, p.Glu9687Ala (NM_133378.4); c.13283-41696A>C (NM_003319.4); c.13859-41696A>C (NM_133437.4); c.13658-41696A>C (NM_133432.3); short protein forms E10931A, E9687A, E10614A.
Identifiers: ClinVar variation 238743 (VCV000238743.12), dbSNP rs370498307, ClinGen allele CA1998531.